The following is an entry in ClinVar:

NM_170662.5(CBLB):c.1193C>T (p.Thr398Met)

Gene: CBLB (Cbl proto-oncogene B; minus strand). Cytogenetic location: 3q13.11.
Variant type: single nucleotide variant.
Coding change: c.1193C>T on transcript NM_170662.5 (MANE Select); coding-DNA position 1193, C replaced by T.
Protein change: p.Thr398Met; replaces threonine 398 with methionine.
Molecular consequence: missense variant. On other transcripts: 5 prime UTR variant (2), non-coding transcript variant (7).
Genome position (GRCh38, 1-based): chr3:105,734,019, G>A on the plus strand (C>T on the coding strand, the complement: CBLB is on the minus strand). VCF-style: chr3-105734019-G-A. GRCh37 (hg19) VCF-style: chr3-105452863-G-A.
Other names: c.1277C>T, p.Thr426Met (NM_001321786.1, NM_001321789.1); c.1193C>T, p.Thr398Met (NM_001321788.2, NM_001321791.2, NM_001321793.2 and 4 more transcripts); c.1259C>T, p.Thr420Met (NM_001321790.2); c.1046C>T, p.Thr349Met (NM_001321796.2, NM_001321799.2); c.413C>T, p.Thr138Met (NM_001321806.2, NM_001321807.2, NM_001321808.2 and 3 more transcripts); c.-160C>T (NM_001321820.2); c.-187C>T (NM_001321822.2); short protein forms T398M, T138M, T349M, T420M, T426M.
Identifiers: ClinVar variation 133830 (VCV000133830.1), dbSNP rs568168857, ClinGen allele CA157907.
Genomic context (GRCh38, chr3:105,734,019, plus strand): 5'-AATATTAGTAGGACATATAAGAAAGACATCCATGTTGCTAATGATTATACCTGCCATGCC[G>A]TAAGGCAAGAGGTGCACATCAAATGCCCACAAGGCTCAATCTTGACATCTTTGTCATTCT-3'
Protein context (NP_733762.2, residues 388-408): CGHLMCTSCL[Thr398Met]AWQESDGQGC

ClinVar aggregate classification (germline): not provided (0 of 4 stars; one submission).

Allele frequency attached by ClinVar (database versions not stated): gnomAD 0.00001 and 0.00011; TOPMed 0.00006; gnomAD exomes 0.00025 and 0.00056; ExAC 0.00058; 1000 Genomes Project 30x 0.00094; 1000 Genomes Project 0.00120.
gnomAD v4.1: 396 of 1,613,762 alleles (0.025%); highest among the groups gnomAD compares: South Asian, 0.38%; 5 homozygotes.

Submission:

ITMI
No classification provided. Condition: AllHighlyPenetrant. Last evaluated: 2013-09-19. Review status: no classification provided. Collection method: reference population. Allele origin: germline.
Comment: Please see associated publication for description of ethnicities

Literature cited by the submitters: PubMed 24728327.